The following is an entry in ClinVar:

NM_004006.3(DMD):c.7768G>T (p.Glu2590Ter)

Gene: DMD (dystrophin; minus strand). Cytogenetic location: Xp21.1.
Variant type: single nucleotide variant.
Coding change: c.7768G>T on transcript NM_004006.3 (MANE Select); coding-DNA position 7768, G replaced by T.
Protein change: p.Glu2590Ter; replaces glutamic acid 2590 with a stop codon.
Molecular consequence: nonsense.
Genome position (GRCh38, 1-based): chrX:31,679,479, C>A on the plus strand (G>T on the coding strand, the complement: DMD is on the minus strand). VCF-style: chrX-31679479-C-A. GRCh37 (hg19) VCF-style: chrX-31697596-C-A.
Other names: c.7744G>T, p.Glu2582Ter (NM_000109.4); c.7756G>T, p.Glu2586Ter (NM_004009.3); c.7399G>T, p.Glu2467Ter (NM_004010.3); c.3745G>T, p.Glu1249Ter (NM_004011.4); c.3736G>T, p.Glu1246Ter (NM_004012.4); c.388G>T, p.Glu130Ter (NM_004013.3, NM_004020.4, NM_004021.3 and 2 more transcripts); short protein forms E1246*, E1249*, E130*, E2467*, E2582*, E2586*, E2590*.
Identifiers: ClinVar variation 984681 (VCV000984681.3), dbSNP rs2082258116, ClinGen allele CA412656777.
Genomic context (GRCh38, chrX:31,679,479, plus strand): 5'-GACCCTCCTTCCATGACTCAAGCTTGGCTCTGGCCTGTCCTAAGACCTGCTCAGCTTCTT[C>A]CTTAGCTTCCAGCCATTGTGTTGAATCCTTTAACATTTCATTCAACTGTTGCCTCCGGTT-3'

ClinVar aggregate classification (germline): Pathogenic (1 of 4 stars; one submission).

Conditions:
Duchenne muscular dystrophy (DMD). Also called: MUSCULAR DYSTROPHY, PSEUDOHYPERTROPHIC PROGRESSIVE, DUCHENNE TYPE; Duchenne Muscular Dystrophy (DMD). Identifiers: Orphanet 98896, MedGen C0013264, MONDO:0010679, OMIM 310200.

Submission:

Centro de Genética y Biología Molecular, Universidad de San Martín de Porres
Classification: Pathogenic for Duchenne muscular dystrophy. Review status: criteria provided, single submitter. Criteria: ACMG Guidelines, 2015. Collection method: clinical testing. Allele origin: germline. Inheritance: X-linked inheritance. Affected: yes. Observed: 1 compound heterozygote.
Comment: The c.7768G>T variant has been reported in Leiden Open (source) Variation Database (LOVD) version 3.0 to be classified as pathogenic evidence.